The following is an entry in ClinVar:

ClinVar aggregate classification (germline): Uncertain significance (1 of 4 stars; one submission).

Conditions:
Megalencephaly-polymicrogyria-postaxial polydactyly-hydrocephalus syndrome. Also called: MEG-PMG-MEGACC SYNDROME; MPPH Syndrome. Identifiers: Orphanet 83473, MedGen C1863924, MONDO:0019375.

Submission:

Labcorp Genetics (formerly Invitae), Labcorp
Classification: Uncertain significance for Megalencephaly-polymicrogyria-postaxial polydactyly-hydrocephalus syndrome. Last evaluated: 2020-01-30. Review status: criteria provided, single submitter. Criteria: Invitae Variant Classification Sherloc (09022015). Collection method: clinical testing. Allele origin: germline.
Comment: In summary, the available evidence is currently insufficient to determine the role of this variant in disease. Therefore, it has been classified as a Variant of Uncertain Significance. Algorithms developed to predict the effect of missense changes on protein structure and function (SIFT, PolyPhen-2, Align-GVGD) all suggest that this variant is likely to be disruptive, but these predictions have not been confirmed by published functional studies and their clinical significance is uncertain. This variant has not been reported in the literature in individuals with PIK3R2-related conditions. This variant is not present in population databases (ExAC no frequency). This sequence change replaces valine with leucine at codon 398 of the PIK3R2 protein (p.Val398Leu). The valine residue is highly conserved and there is a small physicochemical difference between valine and leucine.

NM_005027.4(PIK3R2):c.1192G>C (p.Val398Leu)

Gene: PIK3R2 (phosphoinositide-3-kinase regulatory subunit 2; plus strand). Cytogenetic location: 19p13.11.
Variant type: single nucleotide variant.
Coding change: c.1192G>C on transcript NM_005027.4 (MANE Select); coding-DNA position 1192, G replaced by C.
Protein change: p.Val398Leu; replaces valine 398 with leucine.
Molecular consequence: missense variant. On other transcripts: non-coding transcript variant (2).
Genome position (GRCh38, 1-based): chr19:18,163,049, G>C. VCF-style: chr19-18163049-G-C. GRCh37 (hg19) VCF-style: chr19-18273859-G-C.
Other names: short protein forms V398L.
Identifiers: ClinVar variation 1042867 (VCV001042867.9), dbSNP rs771756537, ClinGen allele CA404809460.